The following is an entry in ClinVar:

ClinVar aggregate classification (germline): Uncertain significance (1 of 4 stars; one submission).

Submission:

Labcorp Genetics (formerly Invitae), Labcorp
Classification: Uncertain significance. Last evaluated: 2025-03-10. Review status: criteria provided, single submitter. Criteria: Invitae Variant Classification Sherloc (09022015). Collection method: clinical testing. Allele origin: germline.
Comment: This sequence change replaces isoleucine, which is neutral and non-polar, with methionine, which is neutral and non-polar, at codon 567 of the C1S protein (p.Ile567Met). This variant is not present in population databases (gnomAD no frequency). This variant has not been reported in the literature in individuals affected with C1S-related conditions. Invitae Evidence Modeling of protein sequence and biophysical properties (such as structural, functional, and spatial information, amino acid conservation, physicochemical variation, residue mobility, and thermodynamic stability) indicates that this missense variant is expected to disrupt C1S protein function with a positive predictive value of 80%. In summary, the available evidence is currently insufficient to determine the role of this variant in disease. Therefore, it has been classified as a Variant of Uncertain Significance.

NM_001734.5(C1S):c.1701C>G (p.Ile567Met)

Gene: C1S (complement C1s; plus strand). Cytogenetic location: 12p13.31.
Variant type: single nucleotide variant.
Coding change: c.1701C>G on transcript NM_001734.5 (MANE Select); coding-DNA position 1701, C replaced by G.
Protein change: p.Ile567Met; replaces isoleucine 567 with methionine.
Molecular consequence: missense variant.
Genome position (GRCh38, 1-based): chr12:7,070,285, C>G. VCF-style: chr12-7070285-C-G. GRCh37 (hg19) VCF-style: chr12-7177589-C-G.
Other names: c.1200C>G, p.Ile400Met (NM_001346850.2); c.1701C>G, p.Ile567Met (NM_201442.4); short protein forms I567M, I400M.
Identifiers: ClinVar variation 4741663 (VCV004741663.1).